The following is an entry in ClinVar:

ClinVar aggregate classification (germline): Benign. Review status: criteria provided, multiple submitters, no conflicts (2 of 4 stars). 4 submissions from 3 submitters: Benign (4). Last evaluated 2021-06-10.

Conditions:
Bardet-Biedl syndrome 13 (BBS13). Identifiers: Orphanet 110, MedGen C2673873, MONDO:0014441, OMIM 615990.
Joubert syndrome 28 (JBTS28). Identifiers: MedGen C4310705, MONDO:0014928, OMIM 617121.

Allele frequency attached by ClinVar (database versions not stated): 1000 Genomes Project 0.29173; 1000 Genomes Project 30x 0.29544; gnomAD exomes 0.29858; TOPMed 0.33055; gnomAD 0.34040 and 0.34782.
gnomAD v4.1: 460,614 of 1,523,342 alleles (30%); highest among the groups gnomAD compares: African/African-American, 48%; 73,153 homozygotes.

Submissions (4):

Genome-Nilou Lab
Classification: Benign for Bardet-Biedl syndrome 13. Last evaluated: 2021-06-10. Review status: criteria provided, single submitter. Criteria: ACMG Guidelines, 2015. Collection method: clinical testing. Allele origin: germline. Affected: no.

Genome-Nilou Lab
Classification: Benign for Joubert syndrome 28. Last evaluated: 2021-06-10. Review status: criteria provided, single submitter. Criteria: ACMG Guidelines, 2015. Collection method: clinical testing. Allele origin: germline. Affected: no.

GeneDx
Classification: Benign. Last evaluated: 2018-06-19. Review status: criteria provided, single submitter. Criteria: GeneDx Variant Classification (06012015). Collection method: clinical testing. Allele origin: germline. Affected: yes.
Comment: This variant is considered likely benign or benign based on one or more of the following criteria: it is a conservative change, it occurs at a poorly conserved position in the protein, it is predicted to be benign by multiple in silico algorithms, and/or has population frequency not consistent with disease.

Breakthrough Genomics
Classification: Benign. Review status: criteria provided, single submitter. Criteria: ACMG Guidelines, 2015. Collection method: not provided. Allele origin: germline. Inheritance: Autosomal recessive inheritance. Affected: yes.

NM_017777.4(MKS1):c.261+67A>G

Gene: MKS1 (MKS transition zone complex subunit 1; minus strand). Cytogenetic location: 17q22.
Variant type: single nucleotide variant.
Coding change: c.261+67A>G on transcript NM_017777.4 (MANE Select); 67 bases into the intron after coding-DNA position 261, A replaced by G.
Molecular consequence: intron variant.
Genome position (GRCh38, 1-based): chr17:58,216,599, T>C on the plus strand (A>G on the coding strand, the complement: MKS1 is on the minus strand). VCF-style: chr17-58216599-T-C. GRCh37 (hg19) VCF-style: chr17-56293960-T-C.
Other names: NM_001165927.1:c.231+67A>G; c.-251+67A>G (NM_001321268.2); c.261+67A>G (NM_001330397.2, NM_001321269.2).
Identifiers: ClinVar variation 674992 (VCV000674992.5), dbSNP rs7225148, ClinGen allele CA292014921.